The following is an entry in ClinVar:

ClinVar aggregate classification (germline): Pathogenic (0 of 4 stars; one submission).

Conditions:
Steinert myotonic dystrophy syndrome (DM1). Also called: STEINERT DISEASE; Myotonic dystrophy type 1; Dystrophia myotonica type 1; Steinert myotonic dystrophy; Steinert's disease. Identifiers: Orphanet 273, MedGen C3250443, MONDO:0008056, OMIM 160900.

Submission:

Institute of Molecular, Cell and Systems Biology, University of Glasgow
Classification: Pathogenic for Steinert myotonic dystrophy syndrome. Review status: no assertion criteria provided. Criteria: research. Collection method: research. Allele origin: germline. Inheritance: Autosomal dominant inheritance. Affected: yes. Observed: 1 heterozygote.
Comment: DMPK CTG repeat expansions greater than approximately 45-50 repeats are assumed to be pathogenic

This record is based on data published in PubMed 25052313, which reports only ClinVar accessions SCV000120188 and SCV000120189. The complete data set includes SCV000207445 - SCV000207579.

Literature cited by the submitters: PubMed 1346923; PubMed 1546326; PubMed 25052313.

NM_004409.5(DMPK):c.*224CTG[345]

Genes: DM1-AS (DM1 locus antisense RNA; plus strand), DMPK (DM1 protein kinase; minus strand), LOC107075317 (origin of replication in DMPK trinucleotide repeat region; plus strand), LOC109461477 (dystrophia myotonica protein kinase repeat instability region; plus strand). Cytogenetic location: 19q13.32.
Variant type: Microsatellite.
Coding change: c.*224CTG[345] on transcript NM_004409.5 (MANE Select); 345 copies in a row of the 3-base unit CTG starting at c.*224.
Molecular consequence: 3 prime UTR variant.
Genome position: GRCh38, VCF-style position (the base before the change): chr19:45,770,204. GRCh37 (hg19), VCF-style position (the base before the change): chr19:46,273,462.
Other names: DM1 CTG repeat expansion; c.*217CTG[345] (NM_001424162.1, NM_001424163.1, NM_001081562.3 and 2 more transcripts); c.*369CTG[345] (NM_001424164.1, NM_001288766.2, NM_001424168.1); c.*222_*224TGC[345] (NM_001081563.3); c.*224CTG[345] (NM_001081560.3, NM_001288764.2, NM_001424165.1 and 1 more transcripts).
Identifiers: ClinVar variation 187961 (VCV000187961.2), ClinGen allele CA915951768.